The following is an entry in ClinVar:

NM_001330588.2(TPP2):c.784+5C>T

Gene: TPP2 (tripeptidyl peptidase 2; plus strand). Cytogenetic location: 13q33.1.
Variant type: single nucleotide variant.
Coding change: c.784+5C>T on transcript NM_001330588.2 (MANE Select); 5 bases into the intron after coding-DNA position 784, C replaced by T.
Molecular consequence: intron variant.
Genome position (GRCh38, 1-based): chr13:102,623,045, C>T. VCF-style: chr13-102623045-C-T. GRCh37 (hg19) VCF-style: chr13-103275395-C-T.
Other names: c.784+5C>T (NM_001367947.1, NM_003291.4).
Identifiers: ClinVar variation 1002173 (VCV001002173.6), dbSNP rs1419816689, ClinGen allele CA2115103065.
Genomic context (GRCh38, chr13:102,623,045, plus strand): 5'-TTACTCCGTTAATATATACGATGATGGAAACCTGCTCTCCATTGTGACCAGTGGAGGTAT[C>T]CCATTTCAGATTGACCAATGAGATATAGATTTATGAGGTGATAAAGTGGTACGTTGCGAT-3'

ClinVar aggregate classification (germline): Uncertain significance (1 of 4 stars; one submission).

Conditions:
Evans syndrome, immunodeficiency, and premature immunosenescence associated with tripeptidyl-peptidase II deficiency. Identifiers: MedGen CN231723. Disease mechanism: loss of function.

Submission:

Labcorp Genetics (formerly Invitae), Labcorp
Classification: Uncertain significance for Evans syndrome, immunodeficiency, and premature immunosenescence associated with tripeptidyl-peptidase II deficiency. Last evaluated: 2023-05-16. Review status: criteria provided, single submitter. Criteria: Invitae Variant Classification Sherloc (09022015). Collection method: clinical testing. Allele origin: germline.
Comment: This sequence change falls in intron 6 of the TPP2 gene. It does not directly change the encoded amino acid sequence of the TPP2 protein. It affects a nucleotide within the consensus splice site. This variant is not present in population databases (gnomAD no frequency). This variant has not been reported in the literature in individuals affected with TPP2-related conditions. ClinVar contains an entry for this variant (Variation ID: 1002173). Variants that disrupt the consensus splice site are a relatively common cause of aberrant splicing (PMID: 17576681, 9536098). Algorithms developed to predict the effect of sequence changes on RNA splicing suggest that this variant is not likely to affect RNA splicing. In summary, the available evidence is currently insufficient to determine the role of this variant in disease. Therefore, it has been classified as a Variant of Uncertain Significance.

Literature cited by the submitters: PubMed 17576681; PubMed 9536098.